The following is an entry in ClinVar:

NM_052865.4(MGME1):c.415C>T (p.Gln139Ter)

Genes: MGME1 (mitochondrial genome maintenance exonuclease 1; plus strand), LOC126862983 (CDK7 strongly-dependent group 2 enhancer GRCh37_chr20:17950167-17951366; plus strand). Cytogenetic location: 20p11.23.
Variant type: single nucleotide variant.
Coding change: c.415C>T on transcript NM_052865.4 (MANE Select); coding-DNA position 415, C replaced by T.
Protein change: p.Gln139Ter; replaces glutamine 139 with a stop codon.
Molecular consequence: nonsense. On other transcripts: intron variant (1).
Genome position (GRCh38, 1-based): chr20:17,970,274, C>T. VCF-style: chr20-17970274-C-T. GRCh37 (hg19) VCF-style: chr20-17950917-C-T.
Other names: c.415C>T, p.Gln139Ter (NM_001310338.2, NM_001310339.2); c.271+144C>T (NM_001363738.2); short protein forms Q139*.
Identifiers: ClinVar variation 3006884 (VCV003006884.3), dbSNP rs2035690432, ClinGen allele CA408339413.

ClinVar aggregate classification (germline): Pathogenic (1 of 4 stars; one submission).

Allele frequency attached by ClinVar (database versions not stated): gnomAD exomes below 0.00001; TOPMed below 0.00001; gnomAD 0.00001.
gnomAD v4.1: 8 of 1,614,108 alleles (0.0005%); highest among the groups gnomAD compares: Non-Finnish European, 0.00059%; no homozygotes.

Submission:

Labcorp Genetics (formerly Invitae), Labcorp
Classification: Pathogenic. Last evaluated: 2023-12-15. Review status: criteria provided, single submitter. Criteria: Invitae Variant Classification Sherloc (09022015). Collection method: clinical testing. Allele origin: germline.
Comment: This sequence change creates a premature translational stop signal (p.Gln139*) in the MGME1 gene. It is expected to result in an absent or disrupted protein product. Loss-of-function variants in MGME1 are known to be pathogenic (PMID: 23313956). This variant is not present in population databases (gnomAD no frequency). This variant has not been reported in the literature in individuals affected with MGME1-related conditions. For these reasons, this variant has been classified as Pathogenic.

Literature cited by the submitters: PubMed 23313956.